The following is an entry in ClinVar:

ClinVar aggregate classification (germline): Uncertain significance. Review status: criteria provided, multiple submitters, no conflicts (2 of 4 stars). 3 submissions from 3 submitters: Uncertain significance (3). Last evaluated 2025-10-07.

Conditions:
Cardiovascular phenotype. Identifiers: MedGen CN230736.
Dilated cardiomyopathy 1JJ (CMD1JJ). Identifiers: Orphanet 154, MedGen C3808935, MONDO:0014095, OMIM 615235.

Allele frequency attached by ClinVar (database versions not stated): gnomAD 0.00004 and 0.00003; gnomAD exomes 0.00001 and below 0.00001; ESP Exome Variant Server 0.00008; 1000 Genomes Project 30x 0.00031; ExAC 0.00003; TOPMed 0.00005; 1000 Genomes Project 0.00020.
gnomAD v4.1: 11 of 1,613,356 alleles (0.00068%); highest among the groups gnomAD compares: African/African-American, 0.008%; 1 homozygote.

Submissions (3):

Ambry Genetics
Classification: Uncertain significance for Cardiovascular phenotype. Last evaluated: 2025-10-07. Review status: criteria provided, single submitter. Criteria: Ambry Variant Classification Scheme 2023. Collection method: clinical testing. Allele origin: germline.
Comment: The c.3497T>C (p.I1166T) alteration is located in exon 26 (coding exon 25) of the LAMA4 gene. This alteration results from a T to C substitution at nucleotide position 3497, causing the isoleucine (I) at amino acid position 1166 to be replaced by a threonine (T). Based on data from gnomAD, the C allele has an overall frequency of 0.001% (3/250856) total alleles studied. The highest observed frequency was 0.012% (2/16250) of African alleles. Based on insufficient or conflicting evidence, the clinical significance of this alteration remains unclear.

Women's Health and Genetics/Laboratory Corporation of America, LabCorp
Classification: Uncertain significance. Last evaluated: 2025-07-28. Review status: criteria provided, single submitter. Criteria: LabCorp Variant Classification Summary - May 2015. Collection method: clinical testing. Allele origin: germline.
Comment: Variant summary: LAMA4 c.3518T>C (p.Ile1173Thr) results in a non-conservative amino acid change in the encoded protein sequence. Algorithms developed to predict the effect of missense changes on protein structure and function are either unavailable or do not agree on the potential impact of this missense change. The variant allele was found at a frequency of 1.2e-05 in 250856 control chromosomes. The available data on variant occurrences in the general population are insufficient to allow any conclusion about variant significance. To our knowledge, no occurrence of c.3518T>C in individuals affected with Cardiomyopathy and no experimental evidence demonstrating its impact on protein function have been reported. ClinVar contains an entry for this variant (Variation ID: 1501277). Based on the evidence outlined above, the variant was classified as uncertain significance.

Labcorp Genetics (formerly Invitae), Labcorp
Classification: Uncertain significance for Dilated cardiomyopathy 1JJ. Last evaluated: 2025-05-17. Review status: criteria provided, single submitter. Criteria: Invitae Variant Classification Sherloc (09022015). Collection method: clinical testing. Allele origin: germline.
Comment: This sequence change replaces isoleucine, which is neutral and non-polar, with threonine, which is neutral and polar, at codon 1166 of the LAMA4 protein (p.Ile1166Thr). This variant is present in population databases (rs373416378, gnomAD 0.01%). This variant has not been reported in the literature in individuals affected with LAMA4-related conditions. ClinVar contains an entry for this variant (Variation ID: 1501277). Invitae Evidence Modeling of protein sequence and biophysical properties (such as structural, functional, and spatial information, amino acid conservation, physicochemical variation, residue mobility, and thermodynamic stability) indicates that this missense variant is expected to disrupt LAMA4 protein function with a positive predictive value of 80%. In summary, the available evidence is currently insufficient to determine the role of this variant in disease. Therefore, it has been classified as a Variant of Uncertain Significance.

NM_001105206.3(LAMA4):c.3518T>C (p.Ile1173Thr)

Gene: LAMA4 (laminin subunit alpha 4; minus strand). Cytogenetic location: 6q21.
Variant type: single nucleotide variant.
Coding change: c.3518T>C on transcript NM_001105206.3 (MANE Select); coding-DNA position 3518, T replaced by C.
Protein change: p.Ile1173Thr; replaces isoleucine 1173 with threonine.
Molecular consequence: missense variant.
Genome position (GRCh38, 1-based): chr6:112,134,506, A>G on the plus strand (T>C on the coding strand, the complement: LAMA4 is on the minus strand). VCF-style: chr6-112134506-A-G. GRCh37 (hg19) VCF-style: chr6-112455708-A-G.
Other names: c.3497T>C, p.Ile1166Thr (NM_001105207.3, NM_002290.5); short protein forms I1173T, I1166T.
Identifiers: ClinVar variation 1501277 (VCV001501277.12), dbSNP rs373416378, ClinGen allele CA3965200.